The following is an entry in ClinVar:

ClinVar aggregate classification (germline): Uncertain significance (1 of 4 stars; one submission).

gnomAD v4.1: 17 of 1,530,644 alleles (0.0011%); highest among the groups gnomAD compares: East Asian, 0.0026%; no homozygotes.

Submission:

Labcorp Genetics (formerly Invitae), Labcorp
Classification: Uncertain significance. Last evaluated: 2022-05-30. Review status: criteria provided, single submitter. Criteria: Invitae Variant Classification Sherloc (09022015). Collection method: clinical testing. Allele origin: germline.
Comment: This sequence change replaces arginine, which is basic and polar, with serine, which is neutral and polar, at codon 99 of the MESP2 protein (p.Arg99Ser). The frequency data for this variant in the population databases is considered unreliable, as metrics indicate poor data quality at this position in the gnomAD database. This variant has not been reported in the literature in individuals affected with MESP2-related conditions. ClinVar contains an entry for this variant (Variation ID: 1421300). Algorithms developed to predict the effect of missense changes on protein structure and function output the following: SIFT: "Tolerated"; PolyPhen-2: "Benign"; Align-GVGD: "Class C0". The serine amino acid residue is found in multiple mammalian species, which suggests that this missense change does not adversely affect protein function. Algorithms developed to predict the effect of sequence changes on RNA splicing suggest that this variant may create or strengthen a splice site. In summary, the available evidence is currently insufficient to determine the role of this variant in disease. Therefore, it has been classified as a Variant of Uncertain Significance.

NM_001039958.2(MESP2):c.295C>A (p.Arg99Ser)

Genes: MESP2 (mesoderm posterior bHLH transcription factor 2; plus strand), LOC130057891 (ATAC-STARR-seq lymphoblastoid silent region 6806; plus strand). Cytogenetic location: 15q26.1.
Variant type: single nucleotide variant.
Coding change: c.295C>A on transcript NM_001039958.2 (MANE Select); coding-DNA position 295, C replaced by A.
Protein change: p.Arg99Ser; replaces arginine 99 with serine.
Molecular consequence: missense variant.
Genome position (GRCh38, 1-based): chr15:89,776,652, C>A. VCF-style: chr15-89776652-C-A. GRCh37 (hg19) VCF-style: chr15-90319883-C-A.
Other names: short protein forms R99S.
Identifiers: ClinVar variation 1421300 (VCV001421300.5), dbSNP rs1482752912, ClinGen allele CA393769554.